The following is an entry in ClinVar:

NM_024503.5(HIVEP3):c.2541G>T (p.Leu847Phe)

Gene: HIVEP3 (HIVEP zinc finger 3; minus strand). Cytogenetic location: 1p34.2.
Variant type: single nucleotide variant.
Coding change: c.2541G>T on transcript NM_024503.5 (MANE Select); coding-DNA position 2541, G replaced by T.
Protein change: p.Leu847Phe; replaces leucine 847 with phenylalanine.
Molecular consequence: missense variant.
Genome position (GRCh38, 1-based): chr1:41,582,257, C>A on the plus strand (G>T on the coding strand, the complement: HIVEP3 is on the minus strand). VCF-style: chr1-41582257-C-A. GRCh37 (hg19) VCF-style: chr1-42047928-C-A.
Other names: c.2541G>T, p.Leu847Phe (NM_001127714.3); short protein forms L847F.
Identifiers: ClinVar variation 4997094 (VCV004997094.1).

ClinVar aggregate classification (germline): Uncertain significance (1 of 4 stars; one submission).

Conditions:
HIVEP3-related disorder. Also called: HIVEP3-related condition.

gnomAD v4.1: 3 of 1,613,646 alleles (0.00019%); highest among the groups gnomAD compares: Admixed American, 0.0017%; no homozygotes.

Submission:

PreventionGenetics, part of Exact Sciences
Classification: Uncertain significance for HIVEP3-related condition. Last evaluated: 2026-08-10. Review status: criteria provided, single submitter. Criteria: ACMG Guidelines, 2015. Collection method: clinical testing. Allele origin: germline.
Comment: The HIVEP3 c.2541G>T variant is predicted to result in the amino acid substitution p.Leu847Phe. To our knowledge, this variant has not been reported in the literature or in a large population database (gnomAD), indicating this variant is rare. At this time, the clinical significance of this variant is uncertain due to the absence of conclusive functional and genetic evidence.